The following is an entry in ClinVar:

NM_021023.6(CFHR3):c.564A>T (p.Gly188=)

Gene: CFHR3 (complement factor H related 3; plus strand). Cytogenetic location: 1q31.3.
Variant type: single nucleotide variant.
Coding change: c.564A>T on transcript NM_021023.6 (MANE Select); coding-DNA position 564, A replaced by T.
Protein change: p.Gly188=; no amino-acid change (glycine 188 retained).
Molecular consequence: synonymous variant. On other transcripts: intron variant (1).
Genome position (GRCh38, 1-based): chr1:196,788,349, A>T. VCF-style: chr1-196788349-A-T. GRCh37 (hg19) VCF-style: chr1-196757479-A-T.
Other names: p.Gly188=; c.431-1696A>T (NM_001166624.2).
Identifiers: ClinVar variation 4683938 (VCV004683938.1).
Genomic context (GRCh38, chr1:196,788,349, plus strand): 5'-TAAAGAAATACAATATAAATGTAAACCAGGATATGCAACAGCAGATGGAAATTCTTCAGG[A>T]TCAATTACATGTTTGCAAAATGGATGGTCAGCACAACCAATTTGCATTAGTAAGTGATTT-3'
Protein context (NP_066303.2, residues 178-198): GYATADGNSS[Gly188=]SITCLQNGWS

ClinVar aggregate classification (germline): Likely benign (1 of 4 stars; one submission).

Submission:

Mayo Clinic Laboratories, Mayo Clinic
Classification: Likely benign. Last evaluated: 2025-03-13. Review status: criteria provided, single submitter. Criteria: ACMG Guidelines, 2015. Collection method: clinical testing. Allele origin: germline. Observed: 4 variant alleles.
Comment: BP4, BP7